The following is an entry in ClinVar:

ClinVar aggregate classification (germline): Uncertain significance (1 of 4 stars; one submission).

Submission:

Labcorp Genetics (formerly Invitae), Labcorp
Classification: Uncertain significance. Last evaluated: 2024-02-12. Review status: criteria provided, single submitter. Criteria: Invitae Variant Classification Sherloc (09022015). Collection method: clinical testing. Allele origin: germline.
Comment: This sequence change replaces proline, which is neutral and non-polar, with alanine, which is neutral and non-polar, at codon 304 of the PCLO protein (p.Pro304Ala). This variant is not present in population databases (gnomAD no frequency). This variant has not been reported in the literature in individuals affected with PCLO-related conditions. ClinVar contains an entry for this variant (Variation ID: 1518947). Experimental studies and prediction algorithms are not available or were not evaluated, and the functional significance of this variant is currently unknown. In summary, the available evidence is currently insufficient to determine the role of this variant in disease. Therefore, it has been classified as a Variant of Uncertain Significance.

NM_033026.6(PCLO):c.910C>G (p.Pro304Ala)

Gene: PCLO (piccolo presynaptic cytomatrix protein; minus strand). Cytogenetic location: 7q21.11.
Variant type: single nucleotide variant.
Coding change: c.910C>G on transcript NM_033026.6 (MANE Select); coding-DNA position 910, C replaced by G.
Protein change: p.Pro304Ala; replaces proline 304 with alanine.
Molecular consequence: missense variant.
Genome position (GRCh38, 1-based): chr7:83,155,731, G>C on the plus strand (C>G on the coding strand, the complement: PCLO is on the minus strand). VCF-style: chr7-83155731-G-C. GRCh37 (hg19) VCF-style: chr7-82785047-G-C.
Other names: c.910C>G, p.Pro304Ala (NM_014510.3); short protein forms P304A.
Identifiers: ClinVar variation 1518947 (VCV001518947.8), dbSNP rs2116691167, ClinGen allele CA367918709.
Genomic context (GRCh38, chr7:83,155,731, plus strand): 5'-ATTTTTCATGTCCAGGCTGCTGTGCTGGAGGTTTTCCAGGAGTTGGTTGCTGAATAGGTG[G>C]TTTGGATGGGCTTGGCAGTGAGGGTTTAACTGATTCTCCCCTTACTATGTCTGCCTGTTT-3'
Protein context (NP_149015.2, residues 294-314): VKPSLPSPSK[Pro304Ala]PIQQPTPGKP